The following is an entry in ClinVar:

ClinVar aggregate classification (germline): Uncertain significance (1 of 4 stars; one submission).

Allele frequency attached by ClinVar (database versions not stated): TOPMed below 0.00001; ExAC 0.00001; gnomAD 0.00001; ESP Exome Variant Server 0.00009; gnomAD exomes below 0.00001.
gnomAD v4.1: 5 of 1,209,897 alleles (0.00041%); highest among the groups gnomAD compares: Non-Finnish European, 0.00056%; no homozygotes.

Submission:

Labcorp Genetics (formerly Invitae), Labcorp
Classification: Uncertain significance. Last evaluated: 2023-12-07. Review status: criteria provided, single submitter. Criteria: Invitae Variant Classification Sherloc (09022015). Collection method: clinical testing. Allele origin: germline.
Comment: This sequence change replaces asparagine, which is neutral and polar, with lysine, which is basic and polar, at codon 184 of the MID1 protein (p.Asn184Lys). This variant is present in population databases (rs368927481, gnomAD 0.001%). This variant has not been reported in the literature in individuals affected with MID1-related conditions. Advanced modeling of protein sequence and biophysical properties (such as structural, functional, and spatial information, amino acid conservation, physicochemical variation, residue mobility, and thermodynamic stability) performed at Invitae indicates that this missense variant is not expected to disrupt MID1 protein function with a negative predictive value of 80%. In summary, the available evidence is currently insufficient to determine the role of this variant in disease. Therefore, it has been classified as a Variant of Uncertain Significance.

NM_000381.4(MID1):c.552T>G (p.Asn184Lys)

Gene: MID1 (midline 1; minus strand). Cytogenetic location: Xp22.2.
Variant type: single nucleotide variant.
Coding change: c.552T>G on transcript NM_000381.4 (MANE Select); coding-DNA position 552, T replaced by G.
Protein change: p.Asn184Lys; replaces asparagine 184 with lysine.
Molecular consequence: missense variant. On other transcripts: intron variant (2).
Genome position (GRCh38, 1-based): chrX:10,566,996, A>C on the plus strand (T>G on the coding strand, the complement: MID1 is on the minus strand). VCF-style: chrX-10566996-A-C. GRCh37 (hg19) VCF-style: chrX-10535036-A-C.
Other names: c.552T>G, p.Asn184Lys (NM_001098624.2, NM_001193277.1, NM_001193278.1 and 3 more transcripts); c.546+6T>G (NM_033289.2, NM_001193280.1); short protein forms N184K.
Identifiers: ClinVar variation 2848236 (VCV002848236.3), dbSNP rs368927481, ClinGen allele CA10347689.